The following is an entry in ClinVar:

ClinVar aggregate classification (germline): Pathogenic (1 of 4 stars; one submission).

Allele frequency attached by ClinVar (database versions not stated): gnomAD exomes below 0.00001.

Submission:

Labcorp Genetics (formerly Invitae), Labcorp
Classification: Pathogenic. Last evaluated: 2023-05-15. Review status: criteria provided, single submitter. Criteria: Invitae Variant Classification Sherloc (09022015). Collection method: clinical testing. Allele origin: germline.
Comment: For these reasons, this variant has been classified as Pathogenic. This variant has not been reported in the literature in individuals affected with CTNNA1-related conditions. This variant is not present in population databases (gnomAD no frequency). This sequence change creates a premature translational stop signal (p.Lys12Glnfs*5) in the CTNNA1 gene. It is expected to result in an absent or disrupted protein product. Loss-of-function variants in CTNNA1 are known to be pathogenic (PMID: 32051609, 34425242).

Literature cited by the submitters: PubMed 32051609; PubMed 34425242.

NM_001903.5(CTNNA1):c.33dup (p.Lys12fs)

Gene: CTNNA1 (catenin alpha 1; plus strand). Cytogenetic location: 5q31.2.
Variant type: Duplication.
Coding change: c.33dup on transcript NM_001903.5 (MANE Select); coding-DNA position 33, one base duplicated (C; older notation c.33dupC).
Protein change: p.Lys12fs; shifts the reading frame from lysine 12.
Molecular consequence: frameshift variant. On other transcripts: 5 prime UTR variant (2).
Genome position (GRCh38, 1-based): chr5:138,781,957, C duplicated. VCF-style (leftmost placement, unchanged base first): chr5-138781956-T-TC. GRCh37 (hg19) VCF-style: chr5-138117645-T-TC.
Other names: c.-174dup (NM_001290310.3); c.33dup, p.Lys12fs (NM_001323982.2, NM_001290307.3, NM_001323983.1 and 3 more transcripts); c.-81dup (NM_001290309.3); short protein forms K12fs.
Identifiers: ClinVar variation 2813701 (VCV002813701.3), dbSNP rs2532170362, ClinGen allele CA2675493832.